The following is an entry in ClinVar:

NM_015122.3(FCHO1):c.1028C>T (p.Ser343Leu)

Gene: FCHO1 (FCH and mu domain containing endocytic adaptor 1; plus strand). Cytogenetic location: 19p13.11.
Variant type: single nucleotide variant.
Coding change: c.1028C>T on transcript NM_015122.3 (MANE Select); coding-DNA position 1028, C replaced by T.
Protein change: p.Ser343Leu; replaces serine 343 with leucine.
Molecular consequence: missense variant. On other transcripts: non-coding transcript variant (36).
Genome position (GRCh38, 1-based): chr19:17,776,007, C>T. VCF-style: chr19-17776007-C-T. GRCh37 (hg19) VCF-style: chr19-17886816-C-T.
Other names: c.1028C>T, p.Ser343Leu (NM_001161357.2, NM_001161358.2, NM_001384379.1 and 25 more transcripts); c.878C>T, p.Ser293Leu (NM_001384384.1, NM_001384385.1, NM_001384386.1 and 3 more transcripts); c.989C>T, p.Ser330Leu (NM_001384388.1, NM_001384389.1, NM_001384405.1); c.983C>T, p.Ser328Leu (NM_001384403.1); c.953C>T, p.Ser318Leu (NM_001384390.1); c.1028C>T (NM_001161357.1); short protein forms S330L, S318L, S343L, S328L, S293L.
Identifiers: ClinVar variation 1382761 (VCV001382761.6), dbSNP rs753136730, ClinGen allele CA9300370.

ClinVar aggregate classification (germline): Uncertain significance. Review status: criteria provided, multiple submitters, no conflicts (2 of 4 stars). 2 submissions from 2 submitters: Uncertain significance (2). Last evaluated 2025-10-29.

Allele frequency attached by ClinVar (database versions not stated): gnomAD exomes 0.00001; gnomAD 0.00003 and 0.00002; TOPMed 0.00003; ExAC 0.00002.
gnomAD v4.1: 20 of 1,608,618 alleles (0.0012%); highest among the groups gnomAD compares: East Asian, 0.0022%; no homozygotes.

Submissions (2):

Ambry Genetics
Classification: Uncertain significance. Last evaluated: 2025-10-29. Review status: criteria provided, single submitter. Criteria: Ambry Variant Classification Scheme 2023. Collection method: clinical testing. Allele origin: germline.

Labcorp Genetics (formerly Invitae), Labcorp
Classification: Uncertain significance. Last evaluated: 2022-02-21. Review status: criteria provided, single submitter. Criteria: Invitae Variant Classification Sherloc (09022015). Collection method: clinical testing. Allele origin: germline.
Comment: This sequence change replaces serine, which is neutral and polar, with leucine, which is neutral and non-polar, at codon 343 of the FCHO1 protein (p.Ser343Leu). This variant is present in population databases (rs753136730, gnomAD 0.005%). This variant has not been reported in the literature in individuals affected with FCHO1-related conditions. Algorithms developed to predict the effect of missense changes on protein structure and function are either unavailable or do not agree on the potential impact of this missense change (SIFT: "Tolerated"; PolyPhen-2: "Possibly Damaging"; Align-GVGD: "Class C0"). In summary, the available evidence is currently insufficient to determine the role of this variant in disease. Therefore, it has been classified as a Variant of Uncertain Significance.